The following is an entry in ClinVar:

ClinVar aggregate classification (germline): Uncertain significance (1 of 4 stars; one submission).

Conditions:
Epilepsy, familial adult myoclonic, 2 (FAME2). Also called: CORTICAL MYOCLONIC TREMOR WITH EPILEPSY, FAMILIAL, 2; BENIGN ADULT FAMILIAL MYOCLONIC EPILEPSY 2; CORTICAL MYOCLONUS AND EPILEPSY, AUTOSOMAL DOMINANT. Identifiers: Orphanet 86814, MedGen C1842852, MONDO:0011930, OMIM 607876.

gnomAD v4.1: 3 of 1,613,316 alleles (0.00019%); highest among the groups gnomAD compares: Middle Eastern, 0.017%; no homozygotes.

Submission:

Baylor Genetics
Classification: Uncertain significance for Epilepsy, familial adult myoclonic, 2. Last evaluated: 2020-12-02. Review status: criteria provided, single submitter. Criteria: ACMG Guidelines, 2015. Collection method: clinical testing. Allele origin: unknown. Affected: yes.
Comment: This variant was determined to be of uncertain significance according to ACMG Guidelines, 2015 [PMID:25741868].

NM_000682.7(ADRA2B):c.274G>A (p.Asp92Asn)

Gene: ADRA2B (adrenoceptor alpha 2B; minus strand). Cytogenetic location: 2q11.2.
Variant type: single nucleotide variant.
Coding change: c.274G>A on transcript NM_000682.7 (MANE Select); coding-DNA position 274, G replaced by A.
Protein change: p.Asp92Asn; replaces aspartic acid 92 with asparagine.
Molecular consequence: missense variant.
Genome position (GRCh38, 1-based): chr2:96,115,876, C>T on the plus strand (G>A on the coding strand, the complement: ADRA2B is on the minus strand). VCF-style: chr2-96115876-C-T. GRCh37 (hg19) VCF-style: chr2-96781615-C-T.
Other names: short protein forms D92N.
Identifiers: ClinVar variation 1029933 (VCV001029933.3), dbSNP rs1397681630, ClinGen allele CA347646756.